The following is an entry in ClinVar:

NM_001134831.2(AHI1):c.3478A>G (p.Met1160Val)

Gene: AHI1 (Abelson helper integration site 1; minus strand). Cytogenetic location: 6q23.3.
Variant type: single nucleotide variant.
Coding change: c.3478A>G on transcript NM_001134831.2 (MANE Select); coding-DNA position 3478, A replaced by G.
Protein change: p.Met1160Val; replaces methionine 1160 with valine.
Molecular consequence: missense variant.
Genome position (GRCh38, 1-based): chr6:135,300,507, T>C on the plus strand (A>G on the coding strand, the complement: AHI1 is on the minus strand). VCF-style: chr6-135300507-T-C. GRCh37 (hg19) VCF-style: chr6-135621645-T-C.
Other names: c.3478A>G, p.Met1160Val (NM_001134830.2, NM_001350503.2, NM_001350504.2 and 1 more transcripts); short protein forms M1160V.
Identifiers: ClinVar variation 856975 (VCV000856975.10), dbSNP rs200250333, ClinGen allele CA4011995.

ClinVar aggregate classification (germline): Conflicting classifications of pathogenicity. Review status: criteria provided, conflicting classifications (1 of 4 stars). 4 submissions from 4 submitters: Uncertain significance (3); Likely benign (1). Last evaluated 2025-03-17.

Conditions:
Joubert syndrome. Also called: JOUBERT-BOLTSHAUSER SYNDROME; Familial aplasia of the vermis. Identifiers: Orphanet 475, MedGen C5979921, MONDO:0018772.
Inborn genetic diseases. Identifiers: MedGen C0950123, MeSH D030342.
Joubert syndrome 3 (JBTS3). Also called: AHI1-related Ciliopathy. Identifiers: Orphanet 220493, MedGen C1837713, MONDO:0012078, OMIM 608629.

Allele frequency attached by ClinVar (database versions not stated): ExAC 0.00001; gnomAD exomes 0.00001 and 0.00007; gnomAD 0.00003 and 0.00004; TOPMed 0.00003; ESP Exome Variant Server 0.00008.

Submissions (4):

Labcorp Genetics (formerly Invitae), Labcorp
Classification: Uncertain significance for Joubert syndrome. Last evaluated: 2025-03-17. Review status: criteria provided, single submitter. Criteria: Invitae Variant Classification Sherloc (09022015). Collection method: clinical testing. Allele origin: germline.
Comment: This sequence change replaces methionine, which is neutral and non-polar, with valine, which is neutral and non-polar, at codon 1160 of the AHI1 protein (p.Met1160Val). The frequency data for this variant in the population databases is considered unreliable, as metrics indicate poor data quality at this position in the gnomAD database. This variant has not been reported in the literature in individuals affected with AHI1-related conditions. ClinVar contains an entry for this variant (Variation ID: 856975). Invitae Evidence Modeling of protein sequence and biophysical properties (such as structural, functional, and spatial information, amino acid conservation, physicochemical variation, residue mobility, and thermodynamic stability) indicates that this missense variant is not expected to disrupt AHI1 protein function with a negative predictive value of 95%. In summary, the available evidence is currently insufficient to determine the role of this variant in disease. Therefore, it has been classified as a Variant of Uncertain Significance.

Ambry Genetics
Classification: Likely benign for Inborn genetic diseases. Last evaluated: 2024-03-19. Review status: criteria provided, single submitter. Criteria: Ambry Variant Classification Scheme 2023. Collection method: clinical testing. Allele origin: germline.

Blueprint Genetics
Classification: Uncertain significance. Last evaluated: 2022-06-10. Review status: criteria provided, single submitter. Criteria: ACMG Guidelines, 2015. Collection method: clinical testing. Allele origin: germline.

Fulgent Genetics
Classification: Uncertain significance for Joubert syndrome 3. Last evaluated: 2022-05-05. Review status: criteria provided, single submitter. Criteria: ACMG Guidelines, 2015. Collection method: clinical testing. Allele origin: unknown.